The following is an entry in ClinVar:

ClinVar aggregate classification (germline): Pathogenic. Review status: reviewed by expert panel (3 of 4 stars). 17 submissions from 17 submitters: Pathogenic (1). 16 of the submissions do not count toward it. Last evaluated 2016-09-08.

Conditions:
Ovarian cancer. Also called: OVARIAN CANCER, SOMATIC. Identifiers: Orphanet 213500, MedGen C1140680, MONDO:0008170, OMIM 167000.
Breast-ovarian cancer, familial, susceptibility to, 1 (BROVCA1). Also called: BRCA1 Hereditary Breast and Ovarian Cancer; OVARIAN CANCER, SUSCEPTIBILITY TO. Identifiers: Orphanet 145, MedGen C2676676, MONDO:0011450, OMIM 604370. Disease mechanism: loss of function.
Hereditary cancer-predisposing syndrome. Also called: Hereditary Cancer Syndrome; Hereditary neoplastic syndrome; Neoplastic Syndromes, Hereditary; Tumor predisposition. Identifiers: Orphanet 140162, MedGen C0027672, MeSH D009386, MONDO:0015356.
Hereditary breast ovarian cancer syndrome. Also called: BRCA1- and BRCA2-Associated Hereditary Breast and Ovarian Cancer; Hereditary breast and ovarian cancer syndrome; Hereditary breast and ovarian cancer syndrome (HBOC); Breast and ovarian cancer; Hereditary breast and/or ovarian cancer syndrome; Hereditary breast and ovarian cancer. Identifiers: Orphanet 145, MedGen C0677776, MeSH D061325, MONDO:0003582. Disease mechanism: loss of function.
Familial cancer of breast. Also called: hereditary breast carcinoma; BREAST CANCER, FAMILIAL; Hereditary breast cancer. Identifiers: Orphanet 227535, MedGen C0346153, MONDO:0016419, OMIM 114480. Disease mechanism: loss of function.

Allele frequency attached by ClinVar (database versions not stated): gnomAD exomes below 0.00001.
gnomAD v4.1: 1 of 1,614,142 alleles (0.000062%); highest among the groups gnomAD compares: Non-Finnish European, 0.000085%; no homozygotes.

Submissions 1 to 7 of 17:

Evidence-based Network for the Interpretation of Germline Mutant Alleles (ENIGMA)
Classification: Pathogenic for Breast-ovarian cancer, familial, susceptibility to, 1. Last evaluated: 2016-09-08. Review status: reviewed by expert panel. Criteria: ENIGMA BRCA1/2 Classification Criteria (2015). Collection method: curation. Allele origin: germline.
Comment: Variant allele predicted to encode a truncated non-functional protein.

Dasa
Classification: Pathogenic for Breast-ovarian cancer, familial, susceptibility to, 1. Last evaluated: 2025-06-29. Review status: criteria provided, single submitter. Criteria: DASA Assertion Criteria. Collection method: clinical testing. Allele origin: germline. Not counted in ClinVar's aggregate classification.
Comment: NM_007294.4(BRCA1):c.3817C>T (p.Gln1273*) introduces a premature termination codon predicted to result in loss of normal protein function. Loss-of-function is an established mechanism of disease for this gene. This variant has been recurrently observed in individuals with Breast-ovarian cancer, familial, susceptibility to, 1 (PMID: 31125277; PMID: 31892343; PMID: 29446198; PMID: 29907814; PMID: 29088781). The variant is present at low frequency in population datasets. Based on the available data, this variant is classified as pathogenic.

Quest Diagnostics Nichols Institute San Juan Capistrano
Classification: Pathogenic. Last evaluated: 2025-04-11. Review status: criteria provided, single submitter. Criteria: Quest Diagnostics criteria. Collection method: clinical testing. Allele origin: unknown. Not counted in ClinVar's aggregate classification.
Comment: The BRCA1 c.3817C>T (p.Gln1273*) variant causes the premature termination of BRCA1 protein synthesis. This variant has been reported in the published literature in individuals and families with breast and/or ovarian cancer (PMIDs: 16261400 (2006), 24728189 (2014), 24916970 (2015), 25682074 (2015), 29088781 (2017), 30014164 (2018), 33471991 (2021), 35918668 (2022), 36881271 (2023)). This variant has not been reported in large, multi-ethnic general populations (Genome Aggregation Database). Based on the available information, this variant is classified as pathogenic.

Ambry Genetics
Classification: Pathogenic for Hereditary cancer-predisposing syndrome. Last evaluated: 2025-01-07. Review status: criteria provided, single submitter. Criteria: Ambry Variant Classification Scheme 2023. Collection method: clinical testing. Allele origin: germline. Not counted in ClinVar's aggregate classification.
Comment: The p.Q1273* pathogenic mutation (also known as c.3817C>T), located in coding exon 9 of the BRCA1 gene, results from a C to T substitution at nucleotide position 3817. This changes the amino acid from a glutamine to a stop codon within coding exon 9. This mutation has been reported in multiple hereditary breast and/or ovarian cancer families of various ethnicities (Tapia T et al. Epigenetics. Jun;3:157-63; Gallardo M et al. Breast Cancer Res. Treat. 2006 Jan;95:81-7; Peixoto A et al. Clin. Genet. 2015 Jul;88:41-8; Pinto P et al. Breast Cancer Res. Treat. 2016 Sep;159:245-56; Alvarez C et al. Oncotarget, 2017 Sep;8:74233-74243; Heramb C et al. Hered Cancer Clin Pract. 2018 Jan;16:3; Rebbeck TR et al. Hum Mutat 2018 05;39(5):593-620). This alteration has also been reported in a Polish cohort of triple negative breast cancer patients (Wong-Brown MW et al. Breast Cancer Res. Treat. 2015 Feb;150:71-80; Domagala P et al. PLoS ONE. 2015 Jun;10:e0130393). In one case control study, this mutation was detected in 1/2222 individuals with invasive epithelial ovarian cancer and 0/1528 matched controls (Song H et al. Hum. Mol. Genet. 2014 Sep;23:4703-9). This variant is considered to be rare based on population cohorts in the Genome Aggregation Database (gnomAD). In addition to the clinical data presented in the literature, this alteration is expected to result in loss of function by premature protein truncation or nonsense-mediated mRNA decay. As such, this alteration is interpreted as a disease-causing mutation.

Labcorp Genetics (formerly Invitae), Labcorp
Classification: Pathogenic for Hereditary breast ovarian cancer syndrome. Last evaluated: 2024-11-13. Review status: criteria provided, single submitter. Criteria: Invitae Variant Classification Sherloc (09022015). Collection method: clinical testing. Allele origin: germline. Not counted in ClinVar's aggregate classification.
Comment: This sequence change creates a premature translational stop signal (p.Gln1273*) in the BRCA1 gene. It is expected to result in an absent or disrupted protein product. Loss-of-function variants in BRCA1 are known to be pathogenic (PMID: 20104584). This variant is not present in population databases (gnomAD no frequency). This premature translational stop signal has been observed in individual(s) with breast and ovarian cancer (PMID: 17063270, 24728189, 24916970, 25682074, 29088781). This variant is also known as 3936C>T. ClinVar contains an entry for this variant (Variation ID: 55015). For these reasons, this variant has been classified as Pathogenic.

GeneDx
Classification: Pathogenic. Last evaluated: 2024-09-29. Review status: criteria provided, single submitter. Criteria: GeneDx Variant Classification Process June 2021. Collection method: clinical testing. Allele origin: germline. Affected: yes. Not counted in ClinVar's aggregate classification.
Comment: Nonsense variant predicted to result in protein truncation or nonsense mediated decay in a gene for which loss of function is a known mechanism of disease; Not observed at significant frequency in large population cohorts (gnomAD); Truncating variants in this gene are considered pathogenic by a well-established clinical consortium and/or database; Also known as 3936C>T; This variant is associated with the following publications: (PMID: 36881271, 35918668, 25525159, 29907814, 34657373, 35264596, 35534704, 26843898, 31125277, 30678073, 35596815, 35216584, 35300142, 15449557, 29446198, 30014164, 31892343, 18567944, 20104584, 24827135, 26083025, 24916970, 25682074, 27553368, 28127413, 33008098, 32050665, 32850417, 36993400, 38671360, 38566764, 16261400, 31209999, 29088781, 29339979, 34981296, 17063270, 18097605, 24728189, 33471991)

Institute of Medical Genetics and Applied Genomics, University Hospital Tübingen
Classification: Pathogenic for Ovarian cancer. Last evaluated: 2024-01-12. Review status: criteria provided, single submitter. Criteria: ACMG Guidelines, 2015. Collection method: clinical testing. Allele origin: germline. Inheritance: Autosomal dominant inheritance. Affected: yes. Not counted in ClinVar's aggregate classification.

NM_007294.4(BRCA1):c.3817C>T (p.Gln1273Ter)

Genes: BRCA1 (BRCA1 DNA repair associated; minus strand), LOC126862571 (BRD4-independent group 4 enhancer GRCh37_chr17:41243136-41244335; plus strand). Cytogenetic location: 17q21.31.
Variant type: single nucleotide variant.
Coding change: c.3817C>T on transcript NM_007294.4 (MANE Select); coding-DNA position 3817, C replaced by T.
Protein change: p.Gln1273Ter; replaces glutamine 1273 with a stop codon.
Molecular consequence: nonsense. On other transcripts: intron variant (135).
Genome position (GRCh38, 1-based): chr17:43,091,714, G>A on the plus strand (C>T on the coding strand, the complement: BRCA1 is on the minus strand). VCF-style: chr17-43091714-G-A. GRCh37 (hg19) VCF-style: chr17-41243731-G-A.
Other names: c.3817C>T, p.Gln1273Ter (NM_001407624.1, NM_001407625.1, NM_001407626.1 and 30 more transcripts); c.3814C>T, p.Gln1272Ter (NM_001407627.1, NM_001407628.1, NM_001407629.1 and 22 more transcripts); c.3808C>T, p.Gln1270Ter (NM_001407646.1, NM_001407647.1); c.3694C>T, p.Gln1232Ter (NM_001407648.1, NM_001407664.1, NM_001407665.1 and 19 more transcripts); c.3691C>T, p.Gln1231Ter (NM_001407649.1, NM_001407670.1, NM_001407671.1 and 11 more transcripts); c.3739C>T, p.Gln1247Ter (NM_001407653.1, NM_001407654.1, NM_001407655.1 and 4 more transcripts); c.3736C>T, p.Gln1246Ter (NM_001407659.1, NM_001407660.1, NM_001407661.1 and 1 more transcripts); c.3676C>T, p.Gln1226Ter (NM_001407692.1, NM_001407694.1, NM_001407695.1 and 29 more transcripts); and 41 more; short protein forms Q1273*, Q1226*, Q1184*, Q1203*, Q1225*, Q977*, Q1145*, Q1202*.
Identifiers: ClinVar variation 55015 (VCV000055015.28), dbSNP rs80357208, ClinGen allele CA002459.